The following is an entry in ClinVar:

NM_007294.4(BRCA1):c.2771A>C (p.Asn924Thr)

Gene: BRCA1 (BRCA1 DNA repair associated; minus strand). Cytogenetic location: 17q21.31.
Variant type: single nucleotide variant.
Coding change: c.2771A>C on transcript NM_007294.4 (MANE Select); coding-DNA position 2771, A replaced by C.
Protein change: p.Asn924Thr; replaces asparagine 924 with threonine.
Molecular consequence: missense variant. On other transcripts: intron variant (137).
Genome position (GRCh38, 1-based): chr17:43,092,760, T>G on the plus strand (A>C on the coding strand, the complement: BRCA1 is on the minus strand). VCF-style: chr17-43092760-T-G. GRCh37 (hg19) VCF-style: chr17-41244777-T-G.
Other names: c.2630A>C, p.Asn877Thr (NM_001407692.1, NM_001407694.1, NM_001407695.1 and 29 more transcripts); c.2627A>C, p.Asn876Thr (NM_001407740.1, NM_001407741.1, NM_001407742.1 and 20 more transcripts); c.2558A>C, p.Asn853Thr (NM_001407853.1, NM_001407894.1, NM_001407895.1 and 9 more transcripts); c.2771A>C, p.Asn924Thr (NM_001407854.1, NM_001407858.1, NM_001407859.1 and 30 more transcripts); c.2768A>C, p.Asn923Thr (NM_001407860.1, NM_001407861.1, NM_001407587.1 and 22 more transcripts); c.2570A>C, p.Asn857Thr (NM_001407862.1); c.2648A>C, p.Asn883Thr (NM_001407863.1, NM_001407919.1, NM_001407937.1 and 19 more transcripts); c.2567A>C, p.Asn856Thr (NM_001407874.1, NM_001407875.1); and 41 more; short protein forms N796T, N836T, N853T, N854T, N876T, N897T, N924T, N756T.
Identifiers: ClinVar variation 2698209 (VCV002698209.3), dbSNP rs2154360296, ClinGen allele CA10596452.

ClinVar aggregate classification (germline): Uncertain significance (1 of 4 stars; one submission).

Conditions:
Hereditary breast ovarian cancer syndrome. Also called: BRCA1- and BRCA2-Associated Hereditary Breast and Ovarian Cancer; Hereditary breast and ovarian cancer; Hereditary breast and ovarian cancer syndrome (HBOC); Hereditary breast and ovarian cancer syndrome; Hereditary breast and/or ovarian cancer syndrome; Breast and ovarian cancer. Identifiers: Orphanet 145, MedGen C0677776, MeSH D061325, MONDO:0003582. Disease mechanism: loss of function.

Submission:

Labcorp Genetics (formerly Invitae), Labcorp
Classification: Uncertain significance for Hereditary breast ovarian cancer syndrome. Last evaluated: 2023-11-24. Review status: criteria provided, single submitter. Criteria: Invitae Variant Classification Sherloc (09022015). Collection method: clinical testing. Allele origin: germline.
Comment: This sequence change replaces asparagine, which is neutral and polar, with threonine, which is neutral and polar, at codon 924 of the BRCA1 protein (p.Asn924Thr). This variant is not present in population databases (gnomAD no frequency). This variant has not been reported in the literature in individuals affected with BRCA1-related conditions. Advanced modeling of protein sequence and biophysical properties (such as structural, functional, and spatial information, amino acid conservation, physicochemical variation, residue mobility, and thermodynamic stability) performed at Invitae indicates that this missense variant is not expected to disrupt BRCA1 protein function with a negative predictive value of 95%. In summary, the available evidence is currently insufficient to determine the role of this variant in disease. Therefore, it has been classified as a Variant of Uncertain Significance.